The following is an entry in ClinVar:

NM_005431.2(XRCC2):c.500A>G (p.Asn167Ser)

Gene: XRCC2 (X-ray repair cross complementing 2; minus strand). Cytogenetic location: 7q36.1.
Variant type: single nucleotide variant.
Coding change: c.500A>G on transcript NM_005431.2 (MANE Select); coding-DNA position 500, A replaced by G.
Protein change: p.Asn167Ser; replaces asparagine 167 with serine.
Molecular consequence: missense variant.
Genome position (GRCh38, 1-based): chr7:152,648,985, T>C on the plus strand (A>G on the coding strand, the complement: XRCC2 is on the minus strand). VCF-style: chr7-152648985-T-C. GRCh37 (hg19) VCF-style: chr7-152346070-T-C.
Other names: c.500A>G (NM_005431.1); short protein forms N167S.
Identifiers: ClinVar variation 2965405 (VCV002965405.4), dbSNP rs2485881171, ClinGen allele CA370198559.

ClinVar aggregate classification (germline): Uncertain significance. Review status: criteria provided, multiple submitters, no conflicts (2 of 4 stars). 2 submissions from 2 submitters: Uncertain significance (2). Last evaluated 2025-05-27.

Conditions:
Hereditary cancer-predisposing syndrome. Also called: Tumor predisposition; Hereditary neoplastic syndrome; Hereditary Cancer Syndrome; Neoplastic Syndromes, Hereditary. Identifiers: Orphanet 140162, MedGen C0027672, MeSH D009386, MONDO:0015356.

Submissions (2):

Labcorp Genetics (formerly Invitae), Labcorp
Classification: Uncertain significance. Last evaluated: 2025-05-27. Review status: criteria provided, single submitter. Criteria: Invitae Variant Classification Sherloc (09022015). Collection method: clinical testing. Allele origin: germline.
Comment: This sequence change replaces asparagine, which is neutral and polar, with serine, which is neutral and polar, at codon 167 of the XRCC2 protein (p.Asn167Ser). This variant is not present in population databases (gnomAD no frequency). This variant has not been reported in the literature in individuals affected with XRCC2-related conditions. ClinVar contains an entry for this variant (Variation ID: 2965405). Invitae Evidence Modeling of protein sequence and biophysical properties (such as structural, functional, and spatial information, amino acid conservation, physicochemical variation, residue mobility, and thermodynamic stability) indicates that this missense variant is not expected to disrupt XRCC2 protein function with a negative predictive value of 80%. In summary, the available evidence is currently insufficient to determine the role of this variant in disease. Therefore, it has been classified as a Variant of Uncertain Significance.

Ambry Genetics
Classification: Uncertain significance for Hereditary cancer-predisposing syndrome. Last evaluated: 2023-09-25. Review status: criteria provided, single submitter. Criteria: Ambry Variant Classification Scheme 2023. Collection method: clinical testing. Allele origin: germline.
Comment: The p.N167S variant (also known as c.500A>G), located in coding exon 3 of the XRCC2 gene, results from an A to G substitution at nucleotide position 500. The asparagine at codon 167 is replaced by serine, an amino acid with highly similar properties. This amino acid position is conserved. In addition, this alteration is predicted to be tolerated by in silico analysis. Since supporting evidence is limited at this time, the clinical significance of this alteration remains unclear.